The following is an entry in ClinVar:

NM_012418.4(FSCN2):c.850G>A (p.Asp284Asn)

Gene: FSCN2 (fascin actin-bundling protein 2, retinal; plus strand). Cytogenetic location: 17q25.3.
Variant type: single nucleotide variant.
Coding change: c.850G>A on transcript NM_012418.4 (MANE Select); coding-DNA position 850, G replaced by A.
Protein change: p.Asp284Asn; replaces aspartic acid 284 with asparagine.
Molecular consequence: missense variant.
Genome position (GRCh38, 1-based): chr17:81,535,075, G>A. VCF-style: chr17-81535075-G-A. GRCh37 (hg19) VCF-style: chr17-79502101-G-A.
Other names: c.850G>A, p.Asp284Asn (NM_001077182.3); short protein forms D284N.
Identifiers: ClinVar variation 2778765 (VCV002778765.3), dbSNP rs1270063163, ClinGen allele CA401475380.
Genomic context (GRCh38, chr17:81,535,075, plus strand): 5'-GAGAGGCGTGAGGGGCTTCCCCATCTCCTCCCTCCAGGGGTCAACGTCTCAGCCAATCAG[G>A]ATGATGAACTAGACCACGAGACCTTCCTGATGCAAATTGACCAGGAGACAAAGAAGTGCA-3'
Protein context (NP_036550.1, residues 274-294): RQGVNVSANQ[Asp284Asn]DELDHETFLM

ClinVar aggregate classification (germline): Uncertain significance (1 of 4 stars; one submission).

Allele frequency attached by ClinVar (database versions not stated): gnomAD exomes below 0.00001; TOPMed 0.00002.
gnomAD v4.1: 1 of 1,533,054 alleles (0.000065%); highest among the groups gnomAD compares: Non-Finnish European, 0.000087%; no homozygotes.

Submission:

Labcorp Genetics (formerly Invitae), Labcorp
Classification: Uncertain significance. Last evaluated: 2023-01-25. Review status: criteria provided, single submitter. Criteria: Invitae Variant Classification Sherloc (09022015). Collection method: clinical testing. Allele origin: germline.
Comment: In summary, the available evidence is currently insufficient to determine the role of this variant in disease. Therefore, it has been classified as a Variant of Uncertain Significance. Algorithms developed to predict the effect of missense changes on protein structure and function are either unavailable or do not agree on the potential impact of this missense change (SIFT: "Tolerated"; PolyPhen-2: "Probably Damaging"; Align-GVGD: "Class C0"). This variant has not been reported in the literature in individuals affected with FSCN2-related conditions. The frequency data for this variant in the population databases is considered unreliable, as metrics indicate poor data quality at this position in the gnomAD database. This sequence change replaces aspartic acid, which is acidic and polar, with asparagine, which is neutral and polar, at codon 284 of the FSCN2 protein (p.Asp284Asn).